The following is an entry in ClinVar:

NC_000001.10:g.(?_197237543)_(197237632_?)del

Gene: CRB1 (crumbs cell polarity complex component 1; plus strand). Cytogenetic location: 1q31.3.
Variant type: Deletion.
Identifiers: ClinVar variation 3247804 (VCV003247804.1).

ClinVar aggregate classification (germline): Pathogenic (1 of 4 stars; one submission).

Conditions:
Leber congenital amaurosis 8 (LCA8). Identifiers: Orphanet 65, MedGen C3151202, MONDO:0013453, OMIM 613835.
Retinitis pigmentosa 12 (RP12). Also called: RP WITH OR WITHOUT PRESERVED PARAARTERIOLE RETINAL PIGMENT EPITHELIUM; RETINITIS PIGMENTOSA WITH OR WITHOUT PARAARTERIOLAR PRESERVATION OF RETINAL PIGMENT EPITHELIUM; RP WITH OR WITHOUT PPRPE. Identifiers: Orphanet 791, MedGen C1838647, MONDO:0010818, OMIM 600105.

Submission:

Labcorp Genetics (formerly Invitae), Labcorp
Classification: Pathogenic for Leber congenital amaurosis 8; Retinitis pigmentosa 12. Last evaluated: 2023-08-22. Review status: criteria provided, single submitter. Criteria: Invitae Variant Classification Sherloc (09022015). Collection method: clinical testing. Allele origin: unknown.
Comment: For these reasons, this variant has been classified as Pathogenic. This variant has not been reported in the literature in individuals affected with CRB1-related conditions. This variant is a gross deletion of the genomic region encompassing exon(s) 1 of the CRB1 gene, which includes the initiator codon. This deletion extends beyond the assayed region for this gene and therefore may encompass additional genes. It is expected to result in an absent or disrupted protein product. Loss-of-function variants in CRB1 are known to be pathogenic (PMID: 10508521, 22065545, 23379534, 25412400, 26957898, 28041643, 29391521).

Literature cited by the submitters: PubMed 10508521; PubMed 22065545; PubMed 23379534; PubMed 25412400; PubMed 26957898; PubMed 28041643; PubMed 29391521.